The following is an entry in ClinVar:

ClinVar aggregate classification (germline): Pathogenic (1 of 4 stars; one submission).

Submission:

Labcorp Genetics (formerly Invitae), Labcorp
Classification: Pathogenic. Last evaluated: 2022-06-19. Review status: criteria provided, single submitter. Criteria: Invitae Variant Classification Sherloc (09022015). Collection method: clinical testing. Allele origin: germline.
Comment: A gross deletion of the genomic region encompassing the full coding sequence of the FAM161A gene has been identified. Loss-of-function variants in FAM161A are known to be pathogenic (PMID: 20705278, 20705279, 24651477). The boundaries of this event are unknown as they extend beyond the assayed region for this gene and therefore may encompass additional genes. This variant has not been reported in the literature in individuals affected with FAM161A-related conditions. For these reasons, this variant has been classified as Pathogenic.

Literature cited by the submitters: PubMed 20705278; PubMed 20705279; PubMed 24651477.

NC_000002.11:g.(?_62053590)_(62081176_?)del

Gene: FAM161A (FAM161 centrosomal protein A; minus strand). Cytogenetic location: 2p15.
Variant type: Deletion.
Identifiers: ClinVar variation 2423969 (VCV002423969.3).